The following is an entry in ClinVar:

NM_001040142.2(SCN2A):c.3012G>T (p.Gln1004His)

Gene: SCN2A (sodium voltage-gated channel alpha subunit 2; plus strand). Cytogenetic location: 2q24.3.
Variant type: single nucleotide variant.
Coding change: c.3012G>T on transcript NM_001040142.2 (MANE Select); coding-DNA position 3012, G replaced by T.
Protein change: p.Gln1004His; replaces glutamine 1004 with histidine.
Molecular consequence: missense variant.
Genome position (GRCh38, 1-based): chr2:165,354,284, G>T. VCF-style: chr2-165354284-G-T. GRCh37 (hg19) VCF-style: chr2-166210794-G-T.
Other names: c.3012G>T, p.Gln1004His (NM_001040143.2, NM_001371246.1, NM_001371247.1 and 1 more transcripts); short protein forms Q1004H.
Identifiers: ClinVar variation 2099736 (VCV002099736.4), dbSNP rs1350670026, ClinGen allele CA349019695.

ClinVar aggregate classification (germline): Uncertain significance (1 of 4 stars; one submission).

Conditions:
Seizures, benign familial infantile, 3 (BFIS3). Also called: CONVULSIONS, BENIGN FAMILIAL INFANTILE, 3; Familial neonatal seizures. Identifiers: Orphanet 140927, Orphanet 306, MedGen C1843140, MONDO:0011904, OMIM 607745.
Developmental and epileptic encephalopathy, 11 (DEE11). Also called: Early infantile epileptic encephalopathy 11. Identifiers: Orphanet 1934, MedGen C3150987, MONDO:0013388, OMIM 613721.

Submission:

Labcorp Genetics (formerly Invitae), Labcorp
Classification: Uncertain significance for Seizures, benign familial infantile, 3; Developmental and epileptic encephalopathy, 11. Last evaluated: 2022-02-19. Review status: criteria provided, single submitter. Criteria: Invitae Variant Classification Sherloc (09022015). Collection method: clinical testing. Allele origin: germline.
Comment: In summary, the available evidence is currently insufficient to determine the role of this variant in disease. Therefore, it has been classified as a Variant of Uncertain Significance. Algorithms developed to predict the effect of missense changes on protein structure and function are either unavailable or do not agree on the potential impact of this missense change (SIFT: "Deleterious"; PolyPhen-2: "Probably Damaging"; Align-GVGD: "Class C0"). This variant has not been reported in the literature in individuals affected with SCN2A-related conditions. This variant is not present in population databases (gnomAD no frequency). This sequence change replaces glutamine, which is neutral and polar, with histidine, which is basic and polar, at codon 1004 of the SCN2A protein (p.Gln1004His).